The following is an entry in ClinVar:

ClinVar aggregate classification (germline): Pathogenic (1 of 4 stars; one submission).

Conditions:
Leber congenital amaurosis 8 (LCA8). Identifiers: Orphanet 65, MedGen C3151202, MONDO:0013453, OMIM 613835.
Retinitis pigmentosa 12 (RP12). Also called: RP WITH OR WITHOUT PPRPE; RP WITH OR WITHOUT PRESERVED PARAARTERIOLE RETINAL PIGMENT EPITHELIUM; RETINITIS PIGMENTOSA WITH OR WITHOUT PARAARTERIOLAR PRESERVATION OF RETINAL PIGMENT EPITHELIUM. Identifiers: Orphanet 791, MedGen C1838647, MONDO:0010818, OMIM 600105.

Submission:

Labcorp Genetics (formerly Invitae), Labcorp
Classification: Pathogenic for Leber congenital amaurosis 8; Retinitis pigmentosa 12. Last evaluated: 2019-03-06. Review status: criteria provided, single submitter. Criteria: Invitae Variant Classification Sherloc (09022015). Collection method: clinical testing. Allele origin: germline.
Comment: For these reasons, this variant has been classified as Pathogenic. Loss-of-function variants in CRB1 are known to be pathogenic (PMID: 10508521, 22065545, 23379534, 25412400, 26957898, 28041643, 29391521). This variant has not been reported in the literature in individuals with CRB1-related conditions. This variant is not present in population databases (ExAC no frequency). This sequence change creates a premature translational stop signal (p.Glu566Glyfs*7) in the CRB1 gene. It is expected to result in an absent or disrupted protein product.

Literature cited by the submitters: PubMed 10508521; PubMed 22065545; PubMed 23379534; PubMed 25412400; PubMed 26957898; PubMed 28041643; PubMed 29391521.

NM_201253.3(CRB1):c.1697del (p.Glu566fs)

Gene: CRB1 (crumbs cell polarity complex component 1; plus strand). Cytogenetic location: 1q31.3.
Variant type: Deletion.
Coding change: c.1697del on transcript NM_201253.3 (MANE Select); coding-DNA position 1697, one base deleted (A; older notation c.1697delA).
Protein change: p.Glu566fs; shifts the reading frame from glutamic acid 566.
Molecular consequence: frameshift variant. On other transcripts: non-coding transcript variant (2).
Genome position (GRCh38, 1-based): chr1:197,421,525, A deleted. VCF-style (leftmost placement, unchanged base first): chr1-197421524-GA-G. GRCh37 (hg19) VCF-style: chr1-197390654-GA-G.
Other names: c.1361del, p.Glu454fs (NM_001193640.2); c.1490del, p.Glu497fs (NM_001257965.2); c.1697del, p.Glu566fs (NM_001257966.2); short protein forms E566fs, E454fs, E497fs.
Identifiers: ClinVar variation 844579 (VCV000844579.7), dbSNP rs1664317534, ClinGen allele CA916082102.